The following is an entry in ClinVar:

ClinVar aggregate classification (germline): Uncertain significance (1 of 4 stars; one submission).

Conditions:
TANC2-related neurodevelopmental disorders.

Submission:

Illumina Laboratory Services, Illumina
Classification: Uncertain significance for TANC2-related neurodevelopmental disorders. Last evaluated: 2019-12-11. Review status: criteria provided, single submitter. Criteria: ICSLVariantClassificationCriteria RUGD 01 April 2020. Collection method: clinical testing. Allele origin: unknown.
Comment: The TANC2 c.1463A>G (p.Tyr488Cys) variant is a missense variant. A literature search was performed for the gene, cDNA change, and amino acide change. No publications were found based on this search. This variant is not found in the Genome Aggregation Database in a region of good sequence coverage, so the variant is presumed to be rare. The variant is located in the putative ATPase domain of the protein (Guo et al. 2019). Based on the limited evidence, the p.Tyr488Cys variant is classified as a variant of unknown significance for TANC2-related neurodevelopmental disorders.

Literature cited by the submitters: PubMed 31616000.

NM_001394998.1(TANC2):c.1685A>G (p.Tyr562Cys)

Gene: TANC2 (tetratricopeptide repeat, ankyrin repeat and coiled-coil containing 2; plus strand). Cytogenetic location: 17q23.3.
Variant type: single nucleotide variant.
Coding change: c.1685A>G on transcript NM_001394998.1 (MANE Select); coding-DNA position 1685, A replaced by G.
Protein change: p.Tyr562Cys; replaces tyrosine 562 with cysteine.
Molecular consequence: missense variant.
Genome position (GRCh38, 1-based): chr17:63,340,210, A>G. VCF-style: chr17-63340210-A-G. GRCh37 (hg19) VCF-style: chr17-61417571-A-G.
Other names: c.1463A>G, p.Tyr488Cys (NM_025185.4); short protein forms Y488C, Y562C.
Identifiers: ClinVar variation 973321 (VCV000973321.5), dbSNP rs2046181137, ClinGen allele CA400519709.
Genomic context (GRCh38, chr17:63,340,210, plus strand): 5'-TGCCAGAATTTGTCCACAATGTTGCTGCCTTGCTCTGCCGCTCACCTCAGCTGACAGCCT[A>G]TCGGGAGCAGCTTCTTCGGGAACCTCACCTGCAGAGCATGCTGAGCCTTCGTTCCTGTGT-3'
Protein context (NP_001381927.1, residues 552-572): LLCRSPQLTA[Tyr562Cys]REQLLREPHL